The following is an entry in ClinVar:

NM_001374736.1(DST):c.2356T>G (p.Ser786Ala)

Gene: DST (dystonin; minus strand). Cytogenetic location: 6p12.1.
Variant type: single nucleotide variant.
Coding change: c.2356T>G on transcript NM_001374736.1 (MANE Select); coding-DNA position 2356, T replaced by G.
Protein change: p.Ser786Ala; replaces serine 786 with alanine.
Molecular consequence: missense variant.
Genome position (GRCh38, 1-based): chr6:56,640,277, A>C on the plus strand (T>G on the coding strand, the complement: DST is on the minus strand). VCF-style: chr6-56640277-A-C. GRCh37 (hg19) VCF-style: chr6-56505075-A-C.
Other names: c.2257T>G, p.Ser753Ala (NM_001144769.5); c.1843T>G, p.Ser615Ala (NM_001144770.2); c.2356T>G, p.Ser786Ala (NM_001374722.1); c.1723T>G, p.Ser575Ala (NM_001374729.1, NM_001374730.1, NM_001386100.1 and 1 more transcripts); c.2383T>G, p.Ser795Ala (NM_001374734.1); c.745T>G, p.Ser249Ala (NM_001723.7, NM_015548.5); short protein forms S249A, S575A, S753A, S786A, S795A, S615A.
Identifiers: ClinVar variation 1447037 (VCV001447037.6), dbSNP rs2152777357, ClinGen allele CA364578511.

ClinVar aggregate classification (germline): Uncertain significance (1 of 4 stars; one submission).

Conditions:
Hereditary sensory and autonomic neuropathy type 6. Also called: HSAN VI; Neuropathy, hereditary sensory and autonomic, type VI. Identifiers: Orphanet 314381, MedGen C3539003, MONDO:0013839, OMIM 614653.
Epidermolysis bullosa simplex 3, localized or generalized intermediate, with BP230 deficiency (EBS3). Also called: Epidermolysis bullosa simplex, autosomal recessive 2; Epidermolysis bullosa simplex due to BP230 deficiency. Identifiers: Orphanet 412181, MedGen C3809470, MONDO:0014180, OMIM 615425.

Submission:

Labcorp Genetics (formerly Invitae), Labcorp
Classification: Uncertain significance for Epidermolysis bullosa simplex 3, localized or generalized intermediate, with BP230 deficiency; Hereditary sensory and autonomic neuropathy type 6. Last evaluated: 2021-10-27. Review status: criteria provided, single submitter. Criteria: Invitae Variant Classification Sherloc (09022015). Collection method: clinical testing. Allele origin: germline.
Comment: This variant is not present in population databases (gnomAD no frequency). In summary, the available evidence is currently insufficient to determine the role of this variant in disease. Therefore, it has been classified as a Variant of Uncertain Significance. Algorithms developed to predict the effect of missense changes on protein structure and function output the following: SIFT: "Deleterious"; PolyPhen-2: "Benign"; Align-GVGD: "Class C0". The alanine amino acid residue is found in multiple mammalian species, which suggests that this missense change does not adversely affect protein function. This variant has not been reported in the literature in individuals affected with DST-related conditions. This sequence change replaces serine, a(n) neutral and polar amino acid, with alanine, a(n) neutral and non-polar amino acid, at codon 249 of the DST protein (p.Ser249Ala).